The following is an entry in ClinVar:

NM_001385641.1(SAMD11):c.1790A>G (p.Lys597Arg)

Gene: SAMD11 (sterile alpha motif domain containing 11; plus strand). Cytogenetic location: 1p36.33.
Variant type: single nucleotide variant.
Coding change: c.1790A>G on transcript NM_001385641.1 (MANE Select); coding-DNA position 1790, A replaced by G.
Protein change: p.Lys597Arg; replaces lysine 597 with arginine.
Molecular consequence: missense variant.
Genome position (GRCh38, 1-based): chr1:942,795, A>G. VCF-style: chr1-942795-A-G. GRCh37 (hg19) VCF-style: chr1-878175-A-G.
Other names: c.1793A>G, p.Lys598Arg (NM_001385640.1); c.1301A>G, p.Lys434Arg (NM_152486.4); short protein forms K597R, K434R, K598R.
Identifiers: ClinVar variation 2017041 (VCV002017041.4), dbSNP rs2522715129, ClinGen allele CA337810912.

ClinVar aggregate classification (germline): Uncertain significance (1 of 4 stars; one submission).

gnomAD v4.1: 1 of 1,542,374 alleles (0.000065%); no homozygotes.

Submission:

Labcorp Genetics (formerly Invitae), Labcorp
Classification: Uncertain significance. Last evaluated: 2022-07-14. Review status: criteria provided, single submitter. Criteria: Invitae Variant Classification Sherloc (09022015). Collection method: clinical testing. Allele origin: germline.
Comment: In summary, the available evidence is currently insufficient to determine the role of this variant in disease. Therefore, it has been classified as a Variant of Uncertain Significance. Algorithms developed to predict the effect of missense changes on protein structure and function (SIFT, PolyPhen-2, Align-GVGD) all suggest that this variant is likely to be tolerated. This variant has not been reported in the literature in individuals affected with SAMD11-related conditions. This variant is not present in population databases (gnomAD no frequency). This sequence change replaces lysine, which is basic and polar, with arginine, which is basic and polar, at codon 434 of the SAMD11 protein (p.Lys434Arg).